The following is an entry in ClinVar:

ClinVar aggregate classification (germline): Uncertain significance (1 of 4 stars; one submission).

Allele frequency attached by ClinVar (database versions not stated): gnomAD exomes below 0.00001; TOPMed below 0.00001; ExAC 0.00001; gnomAD 0.00001.

Submission:

Labcorp Genetics (formerly Invitae), Labcorp
Classification: Uncertain significance. Last evaluated: 2024-02-24. Review status: criteria provided, single submitter. Criteria: Invitae Variant Classification Sherloc (09022015). Collection method: clinical testing. Allele origin: germline.
Comment: This sequence change replaces lysine, which is basic and polar, with asparagine, which is neutral and polar, at codon 633 of the ARMC9 protein (p.Lys633Asn). This variant is present in population databases (rs773494682, gnomAD 0.008%). This variant has not been reported in the literature in individuals affected with ARMC9-related conditions. ClinVar contains an entry for this variant (Variation ID: 946152). Experimental studies and prediction algorithms are not available or were not evaluated, and the functional significance of this variant is currently unknown. In summary, the available evidence is currently insufficient to determine the role of this variant in disease. Therefore, it has been classified as a Variant of Uncertain Significance.

NM_001352754.2(ARMC9):c.1899G>T (p.Lys633Asn)

Gene: ARMC9 (armadillo repeat containing 9; plus strand). Cytogenetic location: 2q37.1.
Variant type: single nucleotide variant.
Coding change: c.1899G>T on transcript NM_001352754.2 (MANE Select); coding-DNA position 1899, G replaced by T.
Protein change: p.Lys633Asn; replaces lysine 633 with asparagine.
Molecular consequence: missense variant. On other transcripts: non-coding transcript variant (1).
Genome position (GRCh38, 1-based): chr2:231,344,995, G>T. VCF-style: chr2-231344995-G-T. GRCh37 (hg19) VCF-style: chr2-232209707-G-T.
Other names: c.1899G>T, p.Lys633Asn (NM_001271466.4, NM_001291656.2, NM_001352755.2 and 2 more transcripts); c.1800G>T, p.Lys600Asn (NM_001352757.2, NM_001352758.2); c.1794G>T, p.Lys598Asn (NM_001352759.2); short protein forms K600N, K633N, K598N.
Identifiers: ClinVar variation 946152 (VCV000946152.8), dbSNP rs773494682, ClinGen allele CA2160540.